The following is an entry in ClinVar:

NM_001004334.4(GPR179):c.3386C>T (p.Ser1129Leu)

Gene: GPR179 (G protein-coupled receptor 179; minus strand). Cytogenetic location: 17q12.
Variant type: single nucleotide variant.
Coding change: c.3386C>T on transcript NM_001004334.4 (MANE Select); coding-DNA position 3386, C replaced by T.
Protein change: p.Ser1129Leu; replaces serine 1129 with leucine.
Molecular consequence: missense variant.
Genome position (GRCh38, 1-based): chr17:38,330,183, G>A on the plus strand (C>T on the coding strand, the complement: GPR179 is on the minus strand). VCF-style: chr17-38330183-G-A. GRCh37 (hg19) VCF-style: chr17-36486066-G-A.
Other names: short protein forms S1129L.
Identifiers: ClinVar variation 1958962 (VCV001958962.5), dbSNP rs750172664, ClinGen allele CA290105156.
Genomic context (GRCh38, chr17:38,330,183, plus strand): 5'-TCATCGGAGGGGATAAGAGCGGCCTGCTTACTCACCGCCTTGGGCCGGCCTAGCCTGGGC[G>A]ATCGGGAGGGTGCCCCCATACTCTCTCCCGCAGTCCCGCTGTTCTGCCCCTCGGGACTCT-3'
Protein context (NP_001004334.3, residues 1119-1139): AGESMGAPSR[Ser1129Leu]PRLGRPKAVS

ClinVar aggregate classification (germline): Uncertain significance. Review status: criteria provided, multiple submitters, no conflicts (2 of 4 stars). 2 submissions from 2 submitters: Uncertain significance (2). Last evaluated 2023-05-08.

Allele frequency attached by ClinVar (database versions not stated): ExAC 0.00001; gnomAD 0.00001; gnomAD exomes 0.00002; TOPMed 0.00002.
gnomAD v4.1: 36 of 1,569,132 alleles (0.0023%); highest among the groups gnomAD compares: Non-Finnish European, 0.0029%; no homozygotes.

Submissions (2):

Blueprint Genetics
Classification: Uncertain significance. Last evaluated: 2023-05-08. Review status: criteria provided, single submitter. Criteria: ACMG Guidelines, 2015. Collection method: clinical testing. Allele origin: germline.

Labcorp Genetics (formerly Invitae), Labcorp
Classification: Uncertain significance. Last evaluated: 2023-05-08. Review status: criteria provided, single submitter. Criteria: Invitae Variant Classification Sherloc (09022015). Collection method: clinical testing. Allele origin: germline.
Comment: This variant is present in population databases (rs750172664, gnomAD 0.007%). In summary, the available evidence is currently insufficient to determine the role of this variant in disease. Therefore, it has been classified as a Variant of Uncertain Significance. An algorithm developed to predict the effect of missense changes on protein structure and function (PolyPhen-2) suggests that this variant is likely to be disruptive. ClinVar contains an entry for this variant (Variation ID: 1958962). This variant has not been reported in the literature in individuals affected with GPR179-related conditions. This sequence change replaces serine, which is neutral and polar, with leucine, which is neutral and non-polar, at codon 1129 of the GPR179 protein (p.Ser1129Leu).